The following is an entry in ClinVar:

NM_181688.3(KRTAP10-10):c.246G>A (p.Pro82=)

Genes: KRTAP10-10 (keratin associated protein 10-10; plus strand), TSPEAR (thrombospondin type laminin G domain and EAR repeats; minus strand). Cytogenetic location: 21q22.3.
Variant type: single nucleotide variant.
Coding change: c.246G>A on transcript NM_181688.3 (MANE Select); coding-DNA position 246, G replaced by A.
Protein change: p.Pro82=; no amino-acid change (proline 82 retained).
Molecular consequence: synonymous variant. On other transcripts: intron variant (2).
Genome position (GRCh38, 1-based): chr21:44,637,663, G>A. VCF-style: chr21-44637663-G-A. GRCh37 (hg19) VCF-style: chr21-46057580-G-A.
Other names: c.83-69658C>T (NM_144991.3); c.-123+52882C>T (NM_001272037.2).
Identifiers: ClinVar variation 4871952 (VCV004871952.2).

ClinVar aggregate classification (germline): Likely benign (1 of 4 stars; one submission).

gnomAD v4.1: 63 of 1,579,050 alleles (0.004%); highest among the groups gnomAD compares: Admixed American, 0.033%; no homozygotes.

Submission:

CeGaT Center for Human Genetics Tuebingen
Classification: Likely benign. Last evaluated: 2026-04-01. Review status: criteria provided, single submitter. Criteria: CeGaT Center For Human Genetics Tuebingen Variant Classification Criteria Version 2. Collection method: clinical testing. Allele origin: germline. Affected: yes. Observed: 1 variant allele.
Comment: KRTAP10-10: BP4, BP7